The following is an entry in ClinVar:

ClinVar aggregate classification (germline): Uncertain significance (1 of 4 stars; one submission).

Conditions:
Biotin-responsive basal ganglia disease (BTBGD). Also called: Thiamine Transporter-2 Deficiency; Thiamine metabolism dysfunction syndrome type 2; THIAMINE METABOLISM DYSFUNCTION SYNDROME 2 (BIOTIN- AND THIAMINE-RESPONSIVE TYPE); thiamine-responsive encephalopathy; Thiamine metabolism dysfunction syndrome 2 (biotin- or thiamine-responsive encephalopathy type 2). Identifiers: Orphanet 199348, Orphanet 65284, MedGen C1843807, MONDO:0011841, OMIM 607483.

Submission:

Labcorp Genetics (formerly Invitae), Labcorp
Classification: Uncertain significance for Biotin-responsive basal ganglia disease. Last evaluated: 2021-09-26. Review status: criteria provided, single submitter. Criteria: Invitae Variant Classification Sherloc (09022015). Collection method: clinical testing. Allele origin: germline.
Comment: In summary, the available evidence is currently insufficient to determine the role of this variant in disease. Therefore, it has been classified as a Variant of Uncertain Significance. Advanced modeling of protein sequence and biophysical properties (such as structural, functional, and spatial information, amino acid conservation, physicochemical variation, residue mobility, and thermodynamic stability) performed at Invitae indicates that this missense variant is not expected to disrupt SLC19A3 protein function. This variant has not been reported in the literature in individuals affected with SLC19A3-related conditions. This variant is not present in population databases (ExAC no frequency). This sequence change replaces alanine with glycine at codon 357 of the SLC19A3 protein (p.Ala357Gly). The alanine residue is highly conserved and there is a small physicochemical difference between alanine and glycine.

NM_025243.4(SLC19A3):c.1070C>G (p.Ala357Gly)

Gene: SLC19A3 (solute carrier family 19 member 3; minus strand). Cytogenetic location: 2q36.3.
Variant type: single nucleotide variant.
Coding change: c.1070C>G on transcript NM_025243.4 (MANE Select); coding-DNA position 1070, C replaced by G.
Protein change: p.Ala357Gly; replaces alanine 357 with glycine.
Molecular consequence: missense variant.
Genome position (GRCh38, 1-based): chr2:227,695,991, G>C on the plus strand (C>G on the coding strand, the complement: SLC19A3 is on the minus strand). VCF-style: chr2-227695991-G-C. GRCh37 (hg19) VCF-style: chr2-228560707-G-C.
Other names: c.1070C>G, p.Ala357Gly (NM_001371411.1, NM_001371412.1); c.1058C>G, p.Ala353Gly (NM_001371413.1, NM_001371414.1); short protein forms A353G, A357G.
Identifiers: ClinVar variation 1493224 (VCV001493224.6), dbSNP rs778139709, ClinGen allele CA350875857.